The following is an entry in ClinVar:

ClinVar aggregate classification (germline): Uncertain significance (1 of 4 stars; one submission).

Conditions:
Anauxetic dysplasia. Identifiers: Orphanet 93347, MedGen C1846796, MONDO:0011773.

Submission:

Labcorp Genetics (formerly Invitae), Labcorp
Classification: Uncertain significance for Anauxetic dysplasia. Last evaluated: 2021-11-19. Review status: criteria provided, single submitter. Criteria: Invitae Variant Classification Sherloc (09022015). Collection method: clinical testing. Allele origin: germline.
Comment: In summary, the available evidence is currently insufficient to determine the role of this variant in disease. Therefore, it has been classified as a Variant of Uncertain Significance. Experimental studies and prediction algorithms are not available or were not evaluated, and the functional significance of this variant is currently unknown. This variant has not been reported in the literature in individuals affected with RMRP-related conditions. This variant is not present in population databases (gnomAD no frequency). This variant occurs in the RMRP gene, which encodes an RNA molecule that does not result in a protein product.

NR_003051.4(RMRP):n.79_86delCCGGACCT

Gene: RMRP (RNA component of mitochondrial RNA processing endoribonuclease; minus strand). Cytogenetic location: 9p13.3.
Variant type: Deletion.
Genome position: GRCh38 VCF-style: chr9-35657932-CGAGGTCCG-C. GRCh37 (hg19) VCF-style: chr9-35657929-CGAGGTCCG-C.
Identifiers: ClinVar variation 1499748 (VCV001499748.6), dbSNP rs2131808810, ClinGen allele CA2573144619.
Genomic context (GRCh38, chr9:35,657,932, plus strand): 5'-CGGACTTTGGAGTGGGAAGCGGGGAATGTCTACGTGCGTATGCACGTGGCACTCTCTGCC[CGAGGTCCG>C]GGGACTTTCCCCTAGGCGGAAAGGGGAGGAACAGAGTCCTCAGTGTGTAGCCTAGGATAC-3'